The following is an entry in ClinVar:

NM_000821.7(GGCX):c.*165A>G

Gene: GGCX (gamma-glutamyl carboxylase; minus strand). Cytogenetic location: 2p11.2.
Variant type: single nucleotide variant.
Coding change: c.*165A>G on transcript NM_000821.7 (MANE Select); 165 bases downstream of the stop codon, A replaced by G.
Molecular consequence: 3 prime UTR variant.
Genome position (GRCh38, 1-based): chr2:85,549,769, T>C on the plus strand (A>G on the coding strand, the complement: GGCX is on the minus strand). VCF-style: chr2-85549769-T-C. GRCh37 (hg19) VCF-style: chr2-85776892-T-C.
Other names: c.*165A>G (NM_001142269.4).
Identifiers: ClinVar variation 337252 (VCV000337252.5), dbSNP rs181695165, ClinGen allele CA10616324.

ClinVar aggregate classification (germline): Likely benign (1 of 4 stars; one submission).

Conditions:
Vitamin K-dependent clotting factors, combined deficiency of, type 1. Also called: FACTORS II, VII, IX, AND X, COMBINED DEFICIENCY OF; FAMILIAL MULTIPLE COAGULATION FACTOR DEFICIENCY III; FMFD III; GLUTAMIC ACID, DEFICIENT GAMMA-CARBOXYLATION OF; MULTIPLE COAGULATION FACTOR DEFICIENCY III; VITAMIN K-DEPENDENT COAGULATION DEFECT. Identifiers: Orphanet 98434, MedGen C1848534, MONDO:0010187, OMIM 277450.

Allele frequency attached by ClinVar (database versions not stated): gnomAD 0.00007 and 0.00009; gnomAD exomes 0.00011; TOPMed 0.00032; 1000 Genomes Project 30x 0.00047; 1000 Genomes Project 0.00060.
gnomAD v4.1: 65 of 638,656 alleles (0.01%); highest among the groups gnomAD compares: Admixed American, 0.18%; no homozygotes.

Submission:

Illumina Laboratory Services, Illumina
Classification: Likely benign for Vitamin K-dependent clotting factors, combined deficiency of, type 1. Last evaluated: 2018-01-12. Review status: criteria provided, single submitter. Criteria: ICSL Variant Classification Criteria 13 December 2019. Collection method: clinical testing. Allele origin: germline.
Comment: This variant was observed in the ICSL laboratory as part of a predisposition screen in an ostensibly healthy population. It had not been previously curated by ICSL or reported in the Human Gene Mutation Database (HGMD: prior to June 1st, 2018), and was therefore a candidate for classification through an automated scoring system. Utilizing variant allele frequency, disease prevalence and penetrance estimates, and inheritance mode, an automated score was calculated to assess if this variant is too frequent to cause the disease. Based on the score and internal cut-off values, a variant classified as likely benign is not then subjected to further curation. The score for this variant resulted in a classification of likely benign for this disease.